The following is an entry in ClinVar:

NM_004706.4(ARHGEF1):c.481C>T (p.Arg161Trp)

Gene: ARHGEF1 (Rho guanine nucleotide exchange factor 1; plus strand). Cytogenetic location: 19q13.2.
Variant type: single nucleotide variant.
Coding change: c.481C>T on transcript NM_004706.4 (MANE Select); coding-DNA position 481, C replaced by T.
Protein change: p.Arg161Trp; replaces arginine 161 with tryptophan.
Molecular consequence: missense variant. On other transcripts: non-coding transcript variant (2).
Genome position (GRCh38, 1-based): chr19:41,892,716, C>T. VCF-style: chr19-41892716-C-T. GRCh37 (hg19) VCF-style: chr19-42396787-C-T.
Other names: c.481C>T, p.Arg161Trp (NM_001396000.1, NM_001396003.1, NM_001396006.1); c.382C>T, p.Arg128Trp (NM_001396002.1, NM_001396004.1, NM_198977.2); c.526C>T, p.Arg176Trp (NM_199002.2); short protein forms R161W, R176W, R128W.
Identifiers: ClinVar variation 2987757 (VCV002987757.3), dbSNP rs1555846523, ClinGen allele CA406048044.

ClinVar aggregate classification (germline): Uncertain significance (1 of 4 stars; one submission).

Allele frequency attached by ClinVar (database versions not stated): gnomAD 0.00001; gnomAD exomes 0.00001; TOPMed 0.00001.
gnomAD v4.1: 11 of 1,613,074 alleles (0.00068%); highest among the groups gnomAD compares: African/African-American, 0.0027%; no homozygotes.

Submission:

Labcorp Genetics (formerly Invitae), Labcorp
Classification: Uncertain significance. Last evaluated: 2023-11-17. Review status: criteria provided, single submitter. Criteria: Invitae Variant Classification Sherloc (09022015). Collection method: clinical testing. Allele origin: germline.
Comment: This sequence change replaces arginine, which is basic and polar, with tryptophan, which is neutral and slightly polar, at codon 176 of the ARHGEF1 protein (p.Arg176Trp). This variant is present in population databases (no rsID available, gnomAD 0.003%). This variant has not been reported in the literature in individuals affected with ARHGEF1-related conditions. An algorithm developed to predict the effect of missense changes on protein structure and function (PolyPhen-2) suggests that this variant is likely to be disruptive. In summary, the available evidence is currently insufficient to determine the role of this variant in disease. Therefore, it has been classified as a Variant of Uncertain Significance.